The following is an entry in ClinVar:

ClinVar aggregate classification (germline): Uncertain significance (1 of 4 stars; one submission).

Allele frequency attached by ClinVar (database versions not stated): ExAC 0.00004; TOPMed 0.00002; 1000 Genomes Project 0.00020; gnomAD 0.00003; 1000 Genomes Project 30x 0.00016.
gnomAD v4.1: 40 of 1,612,324 alleles (0.0025%); highest among the groups gnomAD compares: Middle Eastern, 0.016%; no homozygotes.

Submission:

Labcorp Genetics (formerly Invitae), Labcorp
Classification: Uncertain significance. Last evaluated: 2025-10-14. Review status: criteria provided, single submitter. Criteria: Invitae Variant Classification Sherloc (09022015). Collection method: clinical testing. Allele origin: germline.
Comment: This sequence change replaces threonine, which is neutral and polar, with methionine, which is neutral and non-polar, at codon 1281 of the VCAN protein (p.Thr1281Met). This variant is present in population databases (rs570361402, gnomAD 0.03%). This variant has not been reported in the literature in individuals affected with VCAN-related conditions. ClinVar contains an entry for this variant (Variation ID: 2966205). An algorithm developed to predict the effect of missense changes on protein structure and function outputs the following: PolyPhen-2: "Benign". The methionine amino acid residue is found in multiple mammalian species, which suggests that this missense change does not adversely affect protein function. In summary, the available evidence is currently insufficient to determine the role of this variant in disease. Therefore, it has been classified as a Variant of Uncertain Significance.

NM_004385.5(VCAN):c.3842C>T (p.Thr1281Met)

Gene: VCAN (versican; plus strand). Cytogenetic location: 5q14.3.
Variant type: single nucleotide variant.
Coding change: c.3842C>T on transcript NM_004385.5 (MANE Select); coding-DNA position 3842, C replaced by T.
Protein change: p.Thr1281Met; replaces threonine 1281 with methionine.
Molecular consequence: missense variant. On other transcripts: intron variant (2).
Genome position (GRCh38, 1-based): chr5:83,522,148, C>T. VCF-style: chr5-83522148-C-T. GRCh37 (hg19) VCF-style: chr5-82817967-C-T.
Other names: c.3842C>T, p.Thr1281Met (NM_001164098.2); c.1042+9752C>T (NM_001164097.2, NM_001126336.3); short protein forms T1281M.
Identifiers: ClinVar variation 2966205 (VCV002966205.3), dbSNP rs570361402, ClinGen allele CA3333068.